The following is an entry in ClinVar:

NM_007348.4(ATF6):c.1621G>A (p.Glu541Lys)

Gene: ATF6 (activating transcription factor 6; plus strand). Cytogenetic location: 1q23.3.
Variant type: single nucleotide variant.
Coding change: c.1621G>A on transcript NM_007348.4 (MANE Select); coding-DNA position 1621, G replaced by A.
Protein change: p.Glu541Lys; replaces glutamic acid 541 with lysine.
Molecular consequence: missense variant.
Genome position (GRCh38, 1-based): chr1:161,863,214, G>A. VCF-style: chr1-161863214-G-A. GRCh37 (hg19) VCF-style: chr1-161833004-G-A.
Other names: c.1618G>A, p.Glu540Lys (NM_001410890.1); short protein forms E541K, E540K.
Identifiers: ClinVar variation 1957214 (VCV001957214.5), dbSNP rs764202282, ClinGen allele CA1214554.

ClinVar aggregate classification (germline): Uncertain significance (1 of 4 stars; one submission).

Allele frequency attached by ClinVar (database versions not stated): gnomAD exomes below 0.00001; ExAC 0.00001.
gnomAD v4.1: 4 of 1,603,812 alleles (0.00025%); highest among the groups gnomAD compares: Admixed American, 0.0033%; no homozygotes.

Submission:

Labcorp Genetics (formerly Invitae), Labcorp
Classification: Uncertain significance. Last evaluated: 2022-06-13. Review status: criteria provided, single submitter. Criteria: Invitae Variant Classification Sherloc (09022015). Collection method: clinical testing. Allele origin: germline.
Comment: In summary, the available evidence is currently insufficient to determine the role of this variant in disease. Therefore, it has been classified as a Variant of Uncertain Significance. Algorithms developed to predict the effect of missense changes on protein structure and function are either unavailable or do not agree on the potential impact of this missense change (SIFT: "Tolerated"; PolyPhen-2: "Probably Damaging"; Align-GVGD: "Class C0"). This variant has not been reported in the literature in individuals affected with ATF6-related conditions. This variant is present in population databases (rs764202282, gnomAD 0.006%). This sequence change replaces glutamic acid, which is acidic and polar, with lysine, which is basic and polar, at codon 541 of the ATF6 protein (p.Glu541Lys).